The following is an entry in ClinVar:

NM_022168.4(IFIH1):c.2232T>A (p.Phe744Leu)

Gene: IFIH1 (interferon induced with helicase C domain 1; minus strand). Cytogenetic location: 2q24.2.
Variant type: single nucleotide variant.
Coding change: c.2232T>A on transcript NM_022168.4 (MANE Select); coding-DNA position 2232, T replaced by A.
Protein change: p.Phe744Leu; replaces phenylalanine 744 with leucine.
Molecular consequence: missense variant.
Genome position (GRCh38, 1-based): chr2:162,276,759, A>T on the plus strand (T>A on the coding strand, the complement: IFIH1 is on the minus strand). VCF-style: chr2-162276759-A-T. GRCh37 (hg19) VCF-style: chr2-163133269-A-T.
Other names: short protein forms F744L.
Identifiers: ClinVar variation 774782 (VCV000774782.10), dbSNP rs201142986, ClinGen allele CA1934261.

ClinVar aggregate classification (germline): Likely benign. Review status: criteria provided, single submitter (1 of 4 stars). 2 submissions from 2 submitters: Likely benign (1). 1 of the submissions does not count toward it. Last evaluated 2026-01-26.

Conditions:
Aicardi-Goutieres syndrome 7 (AGS7). Identifiers: Orphanet 51, MedGen C3888244, MONDO:0014367, OMIM 615846.
Singleton-Merten syndrome 1 (SGMRT1). Also called: Widened medullary cavities of bone, aortic calcification, abnormal dentition, and muscular weakness; Syndrome of widened medullary cavities of the metacarpals and phalanges, aortic calcification and abnormal dentition. Identifiers: Orphanet 85191, MedGen C4225427, MONDO:0024535, OMIM 182250.
IFIH1-related disorder. Also called: IFIH1-related condition.

Allele frequency attached by ClinVar (database versions not stated): gnomAD 0.00007 and 0.00011; gnomAD exomes 0.00009 and 0.00026; TOPMed 0.00014; ExAC 0.00026; 1000 Genomes Project 30x 0.00031; 1000 Genomes Project 0.00040.
gnomAD v4.1: 151 of 1,614,026 alleles (0.0094%); highest among the groups gnomAD compares: East Asian, 0.29%; 1 homozygote.

Submissions (2):

Labcorp Genetics (formerly Invitae), Labcorp
Classification: Likely benign for Aicardi-Goutieres syndrome 7; Singleton-Merten syndrome 1. Last evaluated: 2026-01-26. Review status: criteria provided, single submitter. Criteria: Invitae Variant Classification Sherloc (09022015). Collection method: clinical testing. Allele origin: germline.

PreventionGenetics, part of Exact Sciences
Classification: Likely benign for IFIH1-related condition. Last evaluated: 2023-02-15. Review status: no assertion criteria provided. Collection method: clinical testing. Allele origin: germline. Not counted in ClinVar's aggregate classification.
Comment: This variant is classified as likely benign based on ACMG/AMP sequence variant interpretation guidelines (Richards et al. 2015 PMID: 25741868, with internal and published modifications).